The following is an entry in ClinVar:

ClinVar aggregate classification (germline): Uncertain significance. Review status: criteria provided, multiple submitters, no conflicts (2 of 4 stars). 5 submissions from 5 submitters: Uncertain significance (5). Last evaluated 2026-03-31.

Conditions:
Developmental and epileptic encephalopathy, 12 (DEE12). Identifiers: MedGen C3150988, MONDO:0013389, OMIM 613722.
Inborn genetic diseases. Identifiers: MedGen C0950123, MeSH D030342.

Allele frequency attached by ClinVar (database versions not stated): TOPMed 0.00014; ESP Exome Variant Server 0.00023; 1000 Genomes Project 30x 0.00047; ExAC 0.00003; 1000 Genomes Project 0.00040.
gnomAD v4.1: 129 of 1,610,102 alleles (0.008%); highest among the groups gnomAD compares: African/African-American, 0.05%; no homozygotes.

Submissions (5):

GeneDx
Classification: Uncertain significance. Last evaluated: 2026-03-31. Review status: criteria provided, single submitter. Criteria: GeneDx Variant Classification Process June 2021. Collection method: clinical testing. Allele origin: germline.
Comment: In silico analysis suggests that this missense variant does not alter protein structure/function; Has not been previously published as pathogenic or benign to our knowledge

Ambry Genetics
Classification: Uncertain significance for Inborn genetic diseases. Last evaluated: 2024-07-14. Review status: criteria provided, single submitter. Criteria: Ambry Variant Classification Scheme 2023. Collection method: clinical testing. Allele origin: germline.

Labcorp Genetics (formerly Invitae), Labcorp
Classification: Uncertain significance for Developmental and epileptic encephalopathy, 12. Last evaluated: 2022-08-23. Review status: criteria provided, single submitter. Criteria: Invitae Variant Classification Sherloc (09022015). Collection method: clinical testing. Allele origin: germline.
Comment: This sequence change replaces methionine, which is neutral and non-polar, with valine, which is neutral and non-polar, at codon 525 of the PLCB1 protein (p.Met525Val). This variant is present in population databases (rs138851178, gnomAD 0.05%). This variant has not been reported in the literature in individuals affected with PLCB1-related conditions. ClinVar contains an entry for this variant (Variation ID: 339503). Algorithms developed to predict the effect of missense changes on protein structure and function (SIFT, PolyPhen-2, Align-GVGD) all suggest that this variant is likely to be tolerated. Algorithms developed to predict the effect of sequence changes on RNA splicing suggest that this variant may create or strengthen a splice site. In summary, the available evidence is currently insufficient to determine the role of this variant in disease. Therefore, it has been classified as a Variant of Uncertain Significance.

New York Genome Center
Classification: Uncertain significance for Developmental and epileptic encephalopathy, 12. Last evaluated: 2020-05-14. Review status: criteria provided, single submitter. Criteria: NYGC Assertion Criteria 2020. Collection method: clinical testing. Allele origin: germline. Observed: 2 heterozygotes. Clinical features observed: Seizure (HP:0001250), Intellectual disability (HP:0001249), Autism (HP:0000717). Study: CSER-NYCKidSeq.

Illumina Laboratory Services, Illumina
Classification: Uncertain significance for Developmental and epileptic encephalopathy, 12. Last evaluated: 2018-01-13. Review status: criteria provided, single submitter. Criteria: ICSL Variant Classification Criteria 13 December 2019. Collection method: clinical testing. Allele origin: germline.

NM_015192.4(PLCB1):c.1573A>G (p.Met525Val)

Gene: PLCB1 (phospholipase C beta 1; plus strand). Cytogenetic location: 20p12.3.
Variant type: single nucleotide variant.
Coding change: c.1573A>G on transcript NM_015192.4 (MANE Select); coding-DNA position 1573, A replaced by G.
Protein change: p.Met525Val; replaces methionine 525 with valine.
Molecular consequence: missense variant.
Genome position (GRCh38, 1-based): chr20:8,722,413, A>G. VCF-style: chr20-8722413-A-G. GRCh37 (hg19) VCF-style: chr20-8703060-A-G.
Other names: c.1573A>G, p.Met525Val (NM_182734.3); c.1573A>G (NM_015192.2); short protein forms M525V.
Identifiers: ClinVar variation 339503 (VCV000339503.17), dbSNP rs138851178, ClinGen allele CA9759993.
Genomic context (GRCh38, chr20:8,722,413, plus strand): 5'-GGAGAAGCTGATACGGAAAGTGACGACGACGATGATGATGATGACTGTAAAAAATCTTCA[A>G]TGGATGAGGTGGGTACTTAGGGCTTCTGGTCCCTAAGGCATTCCACCACCCTGTACTCTC-3'
Protein context (NP_056007.1, residues 515-535): DDDDDCKKSS[Met525Val]DEGTAGSEAM